The following is an entry in ClinVar:

NM_004456.5(EZH2):c.1841G>C (p.Gly614Ala)

Gene: EZH2 (enhancer of zeste 2 polycomb repressive complex 2 subunit; minus strand). Cytogenetic location: 7q36.1.
Variant type: single nucleotide variant.
Coding change: c.1841G>C on transcript NM_004456.5 (MANE Select); coding-DNA position 1841, G replaced by C.
Protein change: p.Gly614Ala; replaces glycine 614 with alanine.
Molecular consequence: missense variant.
Genome position (GRCh38, 1-based): chr7:148,813,969, C>G on the plus strand (G>C on the coding strand, the complement: EZH2 is on the minus strand). VCF-style: chr7-148813969-C-G. GRCh37 (hg19) VCF-style: chr7-148511061-C-G.
Other names: c.1826G>C, p.Gly609Ala (NM_001203247.2); c.1799G>C, p.Gly600Ala (NM_001203248.2); c.1673G>C, p.Gly558Ala (NM_001203249.2); c.1709G>C, p.Gly570Ala (NM_152998.3); short protein forms G570A, G609A, G614A, G600A, G558A.
Identifiers: ClinVar variation 2766107 (VCV002766107.3), dbSNP rs1803880257, ClinGen allele CA369713258.

ClinVar aggregate classification (germline): Uncertain significance (1 of 4 stars; one submission).

Conditions:
Weaver syndrome (WVS). Also called: Weaver Smith syndrome; Overgrowth syndrome with accelerated skeletal maturation, unusual facies, and camptodactyly. Identifiers: Orphanet 3447, MedGen C0265210, MONDO:0010193, OMIM 277590.

gnomAD v4.1: 1 of 1,609,754 alleles (0.000062%); no homozygotes.

Submission:

Labcorp Genetics (formerly Invitae), Labcorp
Classification: Uncertain significance for Weaver syndrome. Last evaluated: 2024-01-19. Review status: criteria provided, single submitter. Criteria: Invitae Variant Classification Sherloc (09022015). Collection method: clinical testing. Allele origin: germline.
Comment: This sequence change replaces glycine, which is neutral and non-polar, with alanine, which is neutral and non-polar, at codon 614 of the EZH2 protein (p.Gly614Ala). This variant is not present in population databases (gnomAD no frequency). This variant has not been reported in the literature in individuals affected with EZH2-related conditions. Advanced modeling of protein sequence and biophysical properties (such as structural, functional, and spatial information, amino acid conservation, physicochemical variation, residue mobility, and thermodynamic stability) performed at Invitae indicates that this missense variant is not expected to disrupt EZH2 protein function with a negative predictive value of 80%. In summary, the available evidence is currently insufficient to determine the role of this variant in disease. Therefore, it has been classified as a Variant of Uncertain Significance.